The following is an entry in ClinVar:

ClinVar aggregate classification (germline): Uncertain significance. Review status: criteria provided, multiple submitters, no conflicts (2 of 4 stars). 5 submissions from 5 submitters: Uncertain significance (5). Last evaluated 2026-06-20.

Conditions:
Parkinsonian-pyramidal syndrome. Also called: PALLIDOPYRAMIDAL SYNDROME; PARKINSON DISEASE 15, AUTOSOMAL RECESSIVE EARLY-ONSET; PARKINSON DISEASE 15, AUTOSOMAL RECESSIVE. Identifiers: Orphanet 171695, MedGen C1850100, MONDO:0009830, OMIM 260300.

Submissions (5):

Women's Health and Genetics/Laboratory Corporation of America, LabCorp
Classification: Uncertain significance. Last evaluated: 2026-06-20. Review status: criteria provided, single submitter. Criteria: LabCorp Variant Classification Summary - May 2015. Collection method: clinical testing. Allele origin: germline.
Comment: Variant summary: FBXO7 c.1536_1539delTCGG (p.Arg513GlnfsX11) causes a frameshift which results in an alteration to the last 10 amino acids of the protein. The variant allele was found at a frequency of 9.2e-05 in 250754 control chromosomes (gnomAD). This frequency is not significantly higher than estimated for disease-causing variants in FBXO7, allowing no conclusion about variant significance. To our knowledge, no occurrence of c.1536_1539delTCGG in individuals affected with FBXO7-related conditions and no experimental evidence demonstrating its impact on protein function have been reported. ClinVar contains an entry for this variant (Variation ID: 640811). Based on the evidence outlined above, the variant was classified as uncertain significance.

GeneDx
Classification: Uncertain significance. Last evaluated: 2024-10-25. Review status: criteria provided, single submitter. Criteria: GeneDx Variant Classification Process June 2021. Collection method: clinical testing. Allele origin: germline.
Comment: Frameshift variant predicted to result in abnormal protein length as the last 10 amino acids are replaced with 10 different amino acids; Has not been previously published as pathogenic or benign to our knowledge

Department of Pathology and Laboratory Medicine, Sinai Health System
Classification: Uncertain significance for Parkinsonian-pyramidal syndrome. Last evaluated: 2022-11-25. Review status: criteria provided, single submitter. Criteria: ACMG Guidelines, 2015. Collection method: research. Allele origin: germline.

Labcorp Genetics (formerly Invitae), Labcorp
Classification: Uncertain significance for Parkinsonian-pyramidal syndrome. Last evaluated: 2022-08-09. Review status: criteria provided, single submitter. Criteria: Invitae Variant Classification Sherloc (09022015). Collection method: clinical testing. Allele origin: germline.
Comment: This sequence change creates a premature translational stop signal (p.Arg513Glnfs*11) in the FBXO7 gene. While this is not anticipated to result in nonsense mediated decay, it is expected to disrupt the last 10 amino acid(s) of the FBXO7 protein. This variant is present in population databases (rs772175765, gnomAD 0.02%). This variant has not been reported in the literature in individuals affected with FBXO7-related conditions. ClinVar contains an entry for this variant (Variation ID: 640811). Experimental studies and prediction algorithms are not available or were not evaluated, and the functional significance of this variant is currently unknown. In summary, the available evidence is currently insufficient to determine the role of this variant in disease. Therefore, it has been classified as a Variant of Uncertain Significance.

Fulgent Genetics
Classification: Uncertain significance for Parkinsonian-pyramidal syndrome. Last evaluated: 2022-02-15. Review status: criteria provided, single submitter. Criteria: ACMG Guidelines, 2015. Collection method: clinical testing. Allele origin: unknown.

NM_012179.4(FBXO7):c.1536_1539del (p.Arg513fs)

Gene: FBXO7 (F-box protein 7; plus strand). Cytogenetic location: 22q12.3.
Variant type: Deletion.
Coding change: c.1536_1539del on transcript NM_012179.4 (MANE Select); coding-DNA positions 1536 to 1539, 4 bases deleted (TCGG; older notation c.1536_1539delTCGG).
Protein change: p.Arg513fs; shifts the reading frame from arginine 513.
Molecular consequence: frameshift variant.
Genome position (GRCh38, 1-based): chr22:32,498,497-32,498,500, TCGG deleted; deleting any 4 consecutive bases within chr22:32,498,495-32,498,500 gives the same sequence; the c. name uses the placement nearest the transcript's 3' end. VCF-style (leftmost placement, unchanged base first): chr22-32498494-GGGTC-G. GRCh37 (hg19) VCF-style: chr22-32894481-GGGTC-G.
Other names: c.1536_1539delTCGG (NM_012179.3, NM_012179.4); c.1299_1302del, p.Arg434fs (NM_001033024.2); c.1194_1197del, p.Arg399fs (NM_001257990.2); short protein forms R399fs, R513fs, R434fs.
Identifiers: ClinVar variation 640811 (VCV000640811.9), dbSNP rs772175765, ClinGen allele CA10201767.